The following is an entry in ClinVar:

ClinVar aggregate classification (germline): Pathogenic (3 of 4 stars; one submission).

Conditions:
Monogenic diabetes. Identifiers: Orphanet 183625, MedGen C3888631, MONDO:0015967.

Submission:

ClinGen Monogenic Diabetes Variant Curation Expert Panel
Classification: Pathogenic for Monogenic diabetes. Last evaluated: 2022-05-04. Review status: reviewed by expert panel. Criteria: ClinGen Diabetes ACMG Specifications v1 1. Collection method: curation. Allele origin: germline. Inheritance: Autosomal dominant inheritance.
Comment: The c.129_130delinsA variant in the HNF1 homeobox A gene, HNF1A, causes a frameshift in the protein at codon 44 (NM_000545.8), adding 111 novel amino acids before encountering a stop codon (p.(Leu44TrpfsTer111). This variant, located in biologically-relevant exon 1 of 10, is predicted to lead to nonsense mediated decay in a gene in which loss-of-function is an established disease mechanism (PVS1; PMID: 23348805). Additionally, this variant segregated with diabetes, with 3 informative meioses in one family with MODY (PP1; PMID: 11692182) and is absent from gnomAD v2.1.1 (PM2_Supporting). This variant was identified in four individuals in one family with diabetes; however, the MODY probability is unable to be calculated due to insufficient clinical information (PMID: 11692182). In summary, c.129_130delinsA meets the criteria to be classified as pathogenic for monogenic diabetes. ACMG/AMP criteria applied, as specified by the ClinGen MDEP (specification version 1.1, approved 9/30.21): PVS1, PP1, PM2_Supporting.

NM_000545.8(HNF1A):c.129_130delinsA (p.Leu44fs)

Gene: HNF1A (HNF1 homeobox A; plus strand). Cytogenetic location: 12q24.31.
Variant type: Indel.
Coding change: c.129_130delinsA on transcript NM_000545.8 (MANE Select); coding-DNA positions 129 to 130, CC replaced by A.
Protein change: p.Leu44fs; shifts the reading frame from leucine 44.
Molecular consequence: frameshift variant.
Genome position (GRCh38, 1-based): chr12:120,978,897-120,978,898, CC replaced by A. VCF-style: chr12-120978897-CC-A. GRCh37 (hg19) VCF-style: chr12-121416700-CC-A.
Other names: NM_001306179.2:c.129_130delinsA; c.129_130delinsA, p.Leu44fs (NM_001306179.2); short protein forms L44fs.
Identifiers: ClinVar variation 1687081 (VCV001687081.3), dbSNP rs2135819704, ClinGen allele CA2573051033.